The following is an entry in ClinVar:

ClinVar aggregate classification (germline): Uncertain significance (1 of 4 stars; one submission).

Submission:

Labcorp Genetics (formerly Invitae), Labcorp
Classification: Uncertain significance. Last evaluated: 2024-07-22. Review status: criteria provided, single submitter. Criteria: Invitae Variant Classification Sherloc (09022015). Collection method: clinical testing. Allele origin: germline.
Comment: This sequence change replaces arginine, which is basic and polar, with glutamine, which is neutral and polar, at codon 208 of the DEAF1 protein (p.Arg208Gln). This variant is not present in population databases (gnomAD no frequency). This variant has not been reported in the literature in individuals affected with DEAF1-related conditions. Advanced modeling of protein sequence and biophysical properties (such as structural, functional, and spatial information, amino acid conservation, physicochemical variation, residue mobility, and thermodynamic stability) performed at Invitae indicates that this missense variant is expected to disrupt DEAF1 protein function with a positive predictive value of 95%. In summary, the available evidence is currently insufficient to determine the role of this variant in disease. Therefore, it has been classified as a Variant of Uncertain Significance.

NM_021008.4(DEAF1):c.623G>A (p.Arg208Gln)

Gene: DEAF1 (DEAF1 transcription factor; minus strand). Cytogenetic location: 11p15.5.
Variant type: single nucleotide variant.
Coding change: c.623G>A on transcript NM_021008.4 (MANE Select); coding-DNA position 623, G replaced by A.
Protein change: p.Arg208Gln; replaces arginine 208 with glutamine.
Molecular consequence: missense variant. On other transcripts: 5 prime UTR variant (1).
Genome position (GRCh38, 1-based): chr11:687,952, C>T on the plus strand (G>A on the coding strand, the complement: DEAF1 is on the minus strand). VCF-style: chr11-687952-C-T. GRCh37 (hg19) VCF-style: chr11-687952-C-T.
Other names: c.623G>A, p.Arg208Gln (NM_001293634.2); c.-104G>A (NM_001367390.1); short protein forms R208Q.
Identifiers: ClinVar variation 2698287 (VCV002698287.3), dbSNP rs2494455295, ClinGen allele CA378933466.